The following is an entry in ClinVar:

NM_014251.3(SLC25A13):c.316G>T (p.Glu106Ter)

Gene: SLC25A13 (solute carrier family 25 member 13; minus strand). Cytogenetic location: 7q21.3.
Variant type: single nucleotide variant.
Coding change: c.316G>T on transcript NM_014251.3 (MANE Select); coding-DNA position 316, G replaced by T.
Protein change: p.Glu106Ter; replaces glutamic acid 106 with a stop codon.
Molecular consequence: nonsense.
Genome position (GRCh38, 1-based): chr7:96,234,814, C>A on the plus strand (G>T on the coding strand, the complement: SLC25A13 is on the minus strand). VCF-style: chr7-96234814-C-A. GRCh37 (hg19) VCF-style: chr7-95864126-C-A.
Other names: c.316G>T (NM_014251.2); c.316G>T, p.Glu106Ter (NM_001160210.2); short protein forms E106*.
Identifiers: ClinVar variation 4754947 (VCV004754947.2).
Genomic context (GRCh38, chr7:96,234,814, plus strand): 5'-CACACAAGTCCACACTTACACAGACGTGCACAGAAGCATGCTTCTTACCAAAAGTTACTT[C>A]TCCTTTGCCAGCTTTGTCAAACAGCTGAAAGGCTACCATAAACAAAGCATCAGGGGCACA-3'

ClinVar aggregate classification (germline): Pathogenic/Likely pathogenic. Review status: criteria provided, multiple submitters, no conflicts (2 of 4 stars). 2 submissions from 2 submitters: Pathogenic (1); Likely pathogenic (1). Last evaluated 2025-12-19.

Conditions:
Citrin deficiency. Identifiers: Orphanet 247582, MedGen C1997910, MONDO:0016602.
Citrullinemia. Identifiers: Orphanet 187, MedGen C0175683, MONDO:0015991.

Submissions (2):

Natera, Inc.
Classification: Likely pathogenic for Citrullinemia. Last evaluated: 2025-12-19. Review status: criteria provided, single submitter. Criteria: Natera Variant Classification Schema (03/2026). Collection method: clinical testing. Allele origin: germline.
Comment: The c.316G>T variant in SLC25A13 is a nonsense variant predicted to introduce a stop codon at amino acid 106. This variant is expected to result in nonsense mediated decay, truncation, or a dysfunctional protein product. This variant is rare in the general population with a frequency below the threshold expected for the associated phenotype(s). Given the available evidence, this variant is classified as Likely Pathogenic.

Labcorp Genetics (formerly Invitae), Labcorp
Classification: Pathogenic for Citrin deficiency. Last evaluated: 2025-10-17. Review status: criteria provided, single submitter. Criteria: Invitae Variant Classification Sherloc (09022015). Collection method: clinical testing. Allele origin: germline.
Comment: This sequence change creates a premature translational stop signal (p.Glu106*) in the SLC25A13 gene. It is expected to result in an absent or disrupted protein product. Loss-of-function variants in SLC25A13 are known to be pathogenic (PMID: 10369257, 14680984, 27405544). This variant is not present in population databases (gnomAD no frequency). This variant has not been reported in the literature in individuals affected with SLC25A13-related conditions. For these reasons, this variant has been classified as Pathogenic.

Literature cited by the submitters: PubMed 10369257 (cited by Labcorp Genetics (formerly Invitae), Labcorp); PubMed 14680984 (cited by Labcorp Genetics (formerly Invitae), Labcorp); PubMed 27405544 (cited by Labcorp Genetics (formerly Invitae), Labcorp).